The following is an entry in ClinVar:

ClinVar aggregate classification (germline): Uncertain significance. Review status: criteria provided, multiple submitters, no conflicts (2 of 4 stars). 3 submissions from 3 submitters: Uncertain significance (3). Last evaluated 2025-12-17.

Conditions:
Age related macular degeneration 9. Identifiers: MedGen C1969651, MONDO:0012659, OMIM 611378.
Complement component 3 deficiency. Identifiers: Orphanet 280133, MedGen C3151071, MONDO:0013417, OMIM 613779.
Atypical hemolytic-uremic syndrome with C3 anomaly. Also called: AHUS, SUSCEPTIBILITY TO, 5. Identifiers: Orphanet 2134, MedGen C2752037, MONDO:0013043, OMIM 612925.
Atypical hemolytic-uremic syndrome. Identifiers: Orphanet 2134, MedGen C2931788, MONDO:0016244.

Allele frequency attached by ClinVar (database versions not stated): ExAC 0.00002; gnomAD exomes 0.00002; ESP Exome Variant Server 0.00008.
gnomAD v4.1: 59 of 1,613,612 alleles (0.0037%); highest among the groups gnomAD compares: Middle Eastern, 0.016%; no homozygotes.

Submissions (3):

Labcorp Genetics (formerly Invitae), Labcorp
Classification: Uncertain significance. Last evaluated: 2025-12-17. Review status: criteria provided, single submitter. Criteria: Invitae Variant Classification Sherloc (09022015). Collection method: clinical testing. Allele origin: germline.
Comment: This sequence change replaces proline, which is neutral and non-polar, with leucine, which is neutral and non-polar, at codon 1495 of the C3 protein (p.Pro1495Leu). This variant is present in population databases (rs368362113, gnomAD 0.005%). This missense change has been observed in individual(s) with atypical hemolytic uremic syndrome (PMID: 34169201). ClinVar contains an entry for this variant (Variation ID: 1349544). Invitae Evidence Modeling of protein sequence and biophysical properties (such as structural, functional, and spatial information, amino acid conservation, physicochemical variation, residue mobility, and thermodynamic stability) indicates that this missense variant is not expected to disrupt C3 protein function with a negative predictive value of 80%. In summary, the available evidence is currently insufficient to determine the role of this variant in disease. Therefore, it has been classified as a Variant of Uncertain Significance.

Genomenon, Inc
Classification: Uncertain significance for Atypical hemolytic-uremic syndrome. Last evaluated: 2025-09-30. Review status: criteria provided, single submitter. Criteria: Genomenon Sequence Variant Interpretation Standards. Collection method: curation. Allele origin: germline. Affected: yes.
Comment: C3 p.Pro1495Leu (c.4484C>T) is a missense variant that changes the amino acid at residue 1495 from Proline to Leucine. This variant has been observed in at least one proband affected with atypical hemolytic-uremic syndrome (PMID:34169201). It is absent or not present at a significant frequency in gnomAD. In silico models agree that this variant is not damaging. In conclusion, we classify C3 p.Pro1495Leu (c.4484C>T) as a variant of unknown significance.

Fulgent Genetics
Classification: Uncertain significance for Age related macular degeneration 9; Atypical hemolytic-uremic syndrome with C3 anomaly; Complement component 3 deficiency. Last evaluated: 2022-04-05. Review status: criteria provided, single submitter. Criteria: ACMG Guidelines, 2015. Collection method: clinical testing. Allele origin: unknown.

Literature cited by the submitters: PubMed 34169201 (cited by Labcorp Genetics (formerly Invitae), Labcorp and Genomenon, Inc).

NM_000064.4(C3):c.4484C>T (p.Pro1495Leu)

Gene: C3 (complement C3; minus strand). Cytogenetic location: 19p13.3.
Variant type: single nucleotide variant.
Coding change: c.4484C>T on transcript NM_000064.4 (MANE Select); coding-DNA position 4484, C replaced by T.
Protein change: p.Pro1495Leu; replaces proline 1495 with leucine.
Molecular consequence: missense variant.
Genome position (GRCh38, 1-based): chr19:6,679,469, G>A on the plus strand (C>T on the coding strand, the complement: C3 is on the minus strand). VCF-style: chr19-6679469-G-A. GRCh37 (hg19) VCF-style: chr19-6679480-G-A.
Other names: short protein forms P1495L.
Identifiers: ClinVar variation 1349544 (VCV001349544.10), dbSNP rs368362113, ClinGen allele CA9128374.